The following is an entry in ClinVar:

NM_173660.5(DOK7):c.1029C>T (p.Gly343=)

Gene: DOK7 (docking protein 7; plus strand). Cytogenetic location: 4p16.3.
Variant type: single nucleotide variant.
Coding change: c.1029C>T on transcript NM_173660.5 (MANE Select); coding-DNA position 1029, C replaced by T.
Protein change: p.Gly343=; no amino-acid change (glycine 343 retained).
Molecular consequence: synonymous variant. On other transcripts: 3 prime UTR variant (1).
Genome position (GRCh38, 1-based): chr4:3,493,015, C>T. VCF-style: chr4-3493015-C-T. GRCh37 (hg19) VCF-style: chr4-3494742-C-T.
Other names: c.*250C>T (NM_001164673.2); c.99C>T, p.Gly33= (NM_001256896.2); c.1029C>T, p.Gly343= (NM_001301071.2); c.597C>T, p.Gly199= (NM_001363811.2).
Identifiers: ClinVar variation 281409 (VCV000281409.18), dbSNP rs375877997, ClinGen allele CA2829332.

ClinVar aggregate classification (germline): Conflicting classifications of pathogenicity. Review status: criteria provided, conflicting classifications (1 of 4 stars). 4 submissions from 4 submitters: Uncertain significance (1); Benign (1); Likely benign (1). 1 of the submissions does not count toward it. Last evaluated 2025-10-25.

Conditions:
DOK7-related disorder. Also called: DOK7-related condition.
Congenital myasthenic syndrome 10. Also called: Myasthenia, limb-girdle, familial. Identifiers: Orphanet 590, MedGen C1850792, MONDO:0009690, OMIM 254300.
Fetal akinesia deformation sequence 1 (FADS1). Also called: Pena-Shokeir syndrome type I; Fetal akinesia sequence. Identifiers: Orphanet 994, MedGen C1276035, MONDO:0100101, OMIM 208150, HP:0001989.

Allele frequency attached by ClinVar (database versions not stated): ESP Exome Variant Server 0.00008; TOPMed 0.00012; gnomAD exomes 0.00021 and 0.00041; gnomAD 0.00042 and 0.00043; ExAC 0.00098.

Submissions (4):

Labcorp Genetics (formerly Invitae), Labcorp
Classification: Benign for Congenital myasthenic syndrome 10; Fetal akinesia deformation sequence 1. Last evaluated: 2025-10-25. Review status: criteria provided, single submitter. Criteria: Invitae Variant Classification Sherloc (09022015). Collection method: clinical testing. Allele origin: germline.

Blueprint Genetics
Classification: Likely benign. Last evaluated: 2024-10-31. Review status: criteria provided, single submitter. Criteria: ACMG Guidelines, 2015. Collection method: clinical testing. Allele origin: germline.

Eurofins Ntd Llc (ga)
Classification: Uncertain significance. Last evaluated: 2015-06-22. Review status: criteria provided, single submitter. Criteria: EGL Classification Definitions 2015. Collection method: clinical testing. Allele origin: germline. Observed: 1 variant allele, 1 heterozygote.

PreventionGenetics, part of Exact Sciences
Classification: Likely benign for DOK7-related condition. Last evaluated: 2019-03-26. Review status: no assertion criteria provided. Collection method: clinical testing. Allele origin: germline. Not counted in ClinVar's aggregate classification.
Comment: This variant is classified as likely benign based on ACMG/AMP sequence variant interpretation guidelines (Richards et al. 2015 PMID: 25741868, with internal and published modifications).